The following is an entry in ClinVar:

ClinVar aggregate classification (germline): Pathogenic (0 of 4 stars; one submission).

Submission:

Leeds Amelogenesis Imperfecta Research Group, University of Leeds
Classification: Pathogenic. Last evaluated: 2023-01-04. Review status: no assertion criteria provided. Collection method: research. Allele origin: maternal. Inheritance: Autosomal recessive inheritance. Affected: yes.
Comment: Variant not identified in gnomAD

NM_012401.4(PLXNB2):c.3982_3986del (p.Phe1328fs)

Gene: PLXNB2 (plexin B2; minus strand). Cytogenetic location: 22q13.33.
Variant type: Deletion.
Coding change: c.3982_3986del on transcript NM_012401.4 (MANE Select); coding-DNA positions 3982 to 3986, 5 bases deleted (TTCCT; older notation c.3982_3986delTTCCT).
Protein change: p.Phe1328fs; shifts the reading frame from phenylalanine 1328.
Molecular consequence: frameshift variant.
Genome position (GRCh38, 1-based): chr22:50,280,751-50,280,755, AGGAA deleted on the plus strand (TTCCT on the coding strand, the reverse complement: PLXNB2 is on the minus strand); deleting any 5 consecutive bases within chr22:50,280,751-50,280,757 gives the same sequence; the c. name uses the placement nearest the transcript's 3' end. VCF-style (leftmost placement, unchanged base first): chr22-50280750-GAGGAA-G. GRCh37 (hg19) VCF-style: chr22-50719179-GAGGAA-G.
Other names: c.4219_4223del, p.Phe1407fs (NM_001376864.1); c.4051_4055del, p.Phe1351fs (NM_001376865.1); c.3982_3986del, p.Phe1328fs (NM_001376866.1, NM_001376867.1, NM_001376868.1 and 16 more transcripts); c.3958_3962del, p.Phe1320fs (NM_001376883.1); c.3889_3893del, p.Phe1297fs (NM_001376886.1); short protein forms F1297fs, F1320fs, F1328fs, F1351fs, F1407fs.
Identifiers: ClinVar variation 1895426 (VCV001895426.1), dbSNP rs2519501322, ClinGen allele CA2580615580.